The following is an entry in ClinVar:

NM_016284.5(CNOT1):c.2055A>T (p.Arg685Ser)

Gene: CNOT1 (CCR4-NOT transcription complex subunit 1; minus strand). Cytogenetic location: 16q21.
Variant type: single nucleotide variant.
Coding change: c.2055A>T on transcript NM_016284.5 (MANE Select); coding-DNA position 2055, A replaced by T.
Protein change: p.Arg685Ser; replaces arginine 685 with serine.
Molecular consequence: missense variant. On other transcripts: non-coding transcript variant (1).
Genome position (GRCh38, 1-based): chr16:58,560,287, T>A on the plus strand (A>T on the coding strand, the complement: CNOT1 is on the minus strand). VCF-style: chr16-58560287-T-A. GRCh37 (hg19) VCF-style: chr16-58594191-T-A.
Other names: c.2055A>T, p.Arg685Ser (NM_001265612.2, NM_206999.3); short protein forms R685S.
Identifiers: ClinVar variation 2132156 (VCV002132156.4), dbSNP rs2543984808, ClinGen allele CA396133292.

ClinVar aggregate classification (germline): Uncertain significance (1 of 4 stars; one submission).

Submission:

Labcorp Genetics (formerly Invitae), Labcorp
Classification: Uncertain significance. Last evaluated: 2023-12-18. Review status: criteria provided, single submitter. Criteria: Invitae Variant Classification Sherloc (09022015). Collection method: clinical testing. Allele origin: germline.
Comment: This sequence change replaces arginine, which is basic and polar, with serine, which is neutral and polar, at codon 685 of the CNOT1 protein (p.Arg685Ser). This variant is not present in population databases (gnomAD no frequency). This variant has not been reported in the literature in individuals affected with CNOT1-related conditions. ClinVar contains an entry for this variant (Variation ID: 2132156). An algorithm developed to predict the effect of missense changes on protein structure and function (PolyPhen-2) suggests that this variant is likely to be tolerated. In summary, the available evidence is currently insufficient to determine the role of this variant in disease. Therefore, it has been classified as a Variant of Uncertain Significance.